The following is an entry in ClinVar:

ClinVar aggregate classification (germline): Uncertain significance (1 of 4 stars; one submission).

Conditions:
Jeune thoracic dystrophy. Also called: Infantile thoracic dystrophy; Thoracic pelvic phalangeal dystrophy; Jeune's syndrome; Chondroectodermal dysplasia-like syndrome; Jeune syndrome; Short-rib thoracic dysplasia. Identifiers: Orphanet 474, MedGen C0265275, MONDO:0018770.
Nephronophthisis. Also called: Juvenile Nephronophthisis. Identifiers: Orphanet 655, MedGen C0687120, MONDO:0019005, HP:0000090.

gnomAD v4.1: 1 of 1,613,380 alleles (0.000062%); highest among the groups gnomAD compares: Non-Finnish European, 0.000085%; no homozygotes.

Submission:

Labcorp Genetics (formerly Invitae), Labcorp
Classification: Uncertain significance for Jeune thoracic dystrophy; Nephronophthisis. Last evaluated: 2024-06-21. Review status: criteria provided, single submitter. Criteria: Invitae Variant Classification Sherloc (09022015). Collection method: clinical testing. Allele origin: germline.
Comment: This sequence change replaces arginine, which is basic and polar, with glycine, which is neutral and non-polar, at codon 1007 of the TTC21B protein (p.Arg1007Gly). This variant is not present in population databases (gnomAD no frequency). This variant has not been reported in the literature in individuals affected with TTC21B-related conditions. Advanced modeling of protein sequence and biophysical properties (such as structural, functional, and spatial information, amino acid conservation, physicochemical variation, residue mobility, and thermodynamic stability) performed at Invitae indicates that this missense variant is not expected to disrupt TTC21B protein function with a negative predictive value of 95%. In summary, the available evidence is currently insufficient to determine the role of this variant in disease. Therefore, it has been classified as a Variant of Uncertain Significance.

NM_024753.5(TTC21B):c.3019A>G (p.Arg1007Gly)

Gene: TTC21B (tetratricopeptide repeat domain 21B; minus strand). Cytogenetic location: 2q24.3.
Variant type: single nucleotide variant.
Coding change: c.3019A>G on transcript NM_024753.5 (MANE Select); coding-DNA position 3019, A replaced by G.
Protein change: p.Arg1007Gly; replaces arginine 1007 with glycine.
Molecular consequence: missense variant.
Genome position (GRCh38, 1-based): chr2:165,890,920, T>C on the plus strand (A>G on the coding strand, the complement: TTC21B is on the minus strand). VCF-style: chr2-165890920-T-C. GRCh37 (hg19) VCF-style: chr2-166747430-T-C.
Other names: short protein forms R1007G.
Identifiers: ClinVar variation 3751048 (VCV003751048.2).